The following is an entry in ClinVar:

NM_005869.4(CWC27):c.1189A>G (p.Thr397Ala)

Gene: CWC27 (CWC27 spliceosome associated cyclophilin; plus strand). Cytogenetic location: 5q12.3.
Variant type: single nucleotide variant.
Coding change: c.1189A>G on transcript NM_005869.4 (MANE Select); coding-DNA position 1189, A replaced by G.
Protein change: p.Thr397Ala; replaces threonine 397 with alanine.
Molecular consequence: missense variant. On other transcripts: intron variant (1).
Genome position (GRCh38, 1-based): chr5:64,977,171, A>G. VCF-style: chr5-64977171-A-G. GRCh37 (hg19) VCF-style: chr5-64272998-A-G.
Other names: c.1152+5359A>G (NM_001297644.1); short protein forms T397A.
Identifiers: ClinVar variation 2115560 (VCV002115560.4), dbSNP rs770801324, ClinGen allele CA3282253.

ClinVar aggregate classification (germline): Uncertain significance (1 of 4 stars; one submission).

Allele frequency attached by ClinVar (database versions not stated): gnomAD 0.00001; gnomAD exomes 0.00001; TOPMed 0.00002; ExAC 0.00004.
gnomAD v4.1: 7 of 1,612,370 alleles (0.00043%); highest among the groups gnomAD compares: East Asian, 0.016%; no homozygotes.

Submission:

Labcorp Genetics (formerly Invitae), Labcorp
Classification: Uncertain significance. Last evaluated: 2022-03-21. Review status: criteria provided, single submitter. Criteria: Invitae Variant Classification Sherloc (09022015). Collection method: clinical testing. Allele origin: germline.
Comment: In summary, the available evidence is currently insufficient to determine the role of this variant in disease. Therefore, it has been classified as a Variant of Uncertain Significance. Algorithms developed to predict the effect of missense changes on protein structure and function (SIFT, PolyPhen-2, Align-GVGD) all suggest that this variant is likely to be tolerated. This sequence change replaces threonine, which is neutral and polar, with alanine, which is neutral and non-polar, at codon 397 of the CWC27 protein (p.Thr397Ala). This variant is present in population databases (rs770801324, gnomAD 0.05%). This variant has not been reported in the literature in individuals affected with CWC27-related conditions.